The following is an entry in ClinVar:

NM_004958.4(MTOR):c.1025T>C (p.Leu342Pro)

Gene: MTOR (mechanistic target of rapamycin kinase; minus strand). Cytogenetic location: 1p36.22.
Variant type: single nucleotide variant.
Coding change: c.1025T>C on transcript NM_004958.4 (MANE Select); coding-DNA position 1025, T replaced by C.
Protein change: p.Leu342Pro; replaces leucine 342 with proline.
Molecular consequence: missense variant. On other transcripts: 5 prime UTR variant (1).
Genome position (GRCh38, 1-based): chr1:11,247,910, A>G on the plus strand (T>C on the coding strand, the complement: MTOR is on the minus strand). VCF-style: chr1-11247910-A-G. GRCh37 (hg19) VCF-style: chr1-11307967-A-G.
Other names: c.1025T>C, p.Leu342Pro (NM_001386500.1); c.-115T>C (NM_001386501.1); short protein forms L342P.
Identifiers: ClinVar variation 1501638 (VCV001501638.8), dbSNP rs1015621268, ClinGen allele CA17951534.

ClinVar aggregate classification (germline): Uncertain significance (1 of 4 stars; one submission).

Allele frequency attached by ClinVar (database versions not stated): gnomAD exomes below 0.00001; TOPMed below 0.00001; gnomAD 0.00001.
gnomAD v4.1: 3 of 1,614,124 alleles (0.00019%); highest among the groups gnomAD compares: African/African-American, 0.004%; no homozygotes.

Submission:

Labcorp Genetics (formerly Invitae), Labcorp
Classification: Uncertain significance. Last evaluated: 2022-12-06. Review status: criteria provided, single submitter. Criteria: Invitae Variant Classification Sherloc (09022015). Collection method: clinical testing. Allele origin: germline.
Comment: Advanced modeling of protein sequence and biophysical properties (such as structural, functional, and spatial information, amino acid conservation, physicochemical variation, residue mobility, and thermodynamic stability) performed at Invitae indicates that this missense variant is not expected to disrupt MTOR protein function. This sequence change replaces leucine, which is neutral and non-polar, with proline, which is neutral and non-polar, at codon 342 of the MTOR protein (p.Leu342Pro). This variant is not present in population databases (gnomAD no frequency). This variant has not been reported in the literature in individuals affected with MTOR-related conditions. ClinVar contains an entry for this variant (Variation ID: 1501638). In summary, the available evidence is currently insufficient to determine the role of this variant in disease. Therefore, it has been classified as a Variant of Uncertain Significance.